The following is an entry in ClinVar:

NM_001083537.4(FAM86B1):c.876G>A (p.Leu292=)

Gene: FAM86B1 (family with sequence similarity 86 member B1 (gene/pseudogene); minus strand). Cytogenetic location: 8p23.1.
Variant type: single nucleotide variant.
Coding change: c.876G>A on transcript NM_001083537.4 (MANE Select); coding-DNA position 876, G replaced by A.
Protein change: p.Leu292=; no amino-acid change (leucine 292 retained).
Molecular consequence: synonymous variant. On other transcripts: non-coding transcript variant (1).
Genome position (GRCh38, 1-based): chr8:12,183,621, C>T on the plus strand (G>A on the coding strand, the complement: FAM86B1 is on the minus strand). VCF-style: chr8-12183621-C-T. GRCh37 (hg19) VCF-style: chr8-12041130-C-T.
Other names: c.*148G>A (NM_032916.3).
Identifiers: ClinVar variation 2658431 (VCV002658431.24), dbSNP rs1477357507, ClinGen allele CA459769924.

ClinVar aggregate classification (germline): Likely benign (1 of 4 stars; one submission).

Submission:

CeGaT Center for Human Genetics Tuebingen
Classification: Likely benign. Last evaluated: 2024-02-01. Review status: criteria provided, single submitter. Criteria: CeGaT Center For Human Genetics Tuebingen Variant Classification Criteria Version 2. Collection method: clinical testing. Allele origin: germline. Affected: yes. Observed: 1 variant allele.
Comment: FAM86B1: BP4, BP7